The following is an entry in ClinVar:

NM_001184.4(ATR):c.6331G>A (p.Asp2111Asn)

Gene: ATR (ATR checkpoint kinase; minus strand). Cytogenetic location: 3q23.
Variant type: single nucleotide variant.
Coding change: c.6331G>A on transcript NM_001184.4 (MANE Select); coding-DNA position 6331, G replaced by A.
Protein change: p.Asp2111Asn; replaces aspartic acid 2111 with asparagine.
Molecular consequence: missense variant.
Genome position (GRCh38, 1-based): chr3:142,469,558, C>T on the plus strand (G>A on the coding strand, the complement: ATR is on the minus strand). VCF-style: chr3-142469558-C-T. GRCh37 (hg19) VCF-style: chr3-142188400-C-T.
Other names: c.6139G>A, p.Asp2047Asn (NM_001354579.2); short protein forms D2111N, D2047N.
Identifiers: ClinVar variation 1384666 (VCV001384666.8), dbSNP rs2108279714, ClinGen allele CA354805389.
Genomic context (GRCh38, chr3:142,469,558, plus strand): 5'-TTGTATGCTCTGTGATAACCTTGTTTATTTTACCCAAATCATTCCTCATTTGTACACGAT[C>T]GGAGCGGCCAGCTGGGGGAAGAAATAAGTTTAAAAAACAATAAAGGAAAGAGAAAAATCA-3'
Protein context (NP_001175.2, residues 2101-2121): AYEWEKAGRS[Asp2111Asn]RVQMRNDLGK

ClinVar aggregate classification (germline): Uncertain significance (1 of 4 stars; one submission).

Allele frequency attached by ClinVar (database versions not stated): gnomAD exomes below 0.00001.
gnomAD v4.1: 4 of 1,612,636 alleles (0.00025%); highest among the groups gnomAD compares: Non-Finnish European, 0.00025%; no homozygotes.

Submission:

Labcorp Genetics (formerly Invitae), Labcorp
Classification: Uncertain significance. Last evaluated: 2021-04-25. Review status: criteria provided, single submitter. Criteria: Invitae Variant Classification Sherloc (09022015). Collection method: clinical testing. Allele origin: germline.
Comment: In summary, the available evidence is currently insufficient to determine the role of this variant in disease. Therefore, it has been classified as a Variant of Uncertain Significance. Algorithms developed to predict the effect of missense changes on protein structure and function are either unavailable or do not agree on the potential impact of this missense change (SIFT: "Deleterious"; PolyPhen-2: "Possibly Damaging"; Align-GVGD: "Class C0"). This variant has not been reported in the literature in individuals with ATR-related conditions. This variant is not present in population databases (ExAC no frequency). This sequence change replaces aspartic acid with asparagine at codon 2111 of the ATR protein (p.Asp2111Asn). The aspartic acid residue is moderately conserved and there is a small physicochemical difference between aspartic acid and asparagine.